The following is an entry in ClinVar:

NM_001367721.1(CASK):c.539T>A (p.Val180Asp)

Gene: CASK (calcium/calmodulin dependent serine protein kinase; minus strand). Cytogenetic location: Xp11.4.
Variant type: single nucleotide variant.
Coding change: c.539T>A on transcript NM_001367721.1 (MANE Select); coding-DNA position 539, T replaced by A.
Protein change: p.Val180Asp; replaces valine 180 with aspartic acid.
Molecular consequence: missense variant.
Genome position (GRCh38, 1-based): chrX:41,665,446, A>T on the plus strand (T>A on the coding strand, the complement: CASK is on the minus strand). VCF-style: chrX-41665446-A-T. GRCh37 (hg19) VCF-style: chrX-41524699-A-T.
Other names: c.539T>A, p.Val180Asp (NM_001126054.3, NM_001126055.3, NM_001410745.1 and 1 more transcripts); short protein forms V180D.
Identifiers: ClinVar variation 3068378 (VCV003068378.1), dbSNP rs2519216387, ClinGen allele CA412998520.
Genomic context (GRCh38, chrX:41,665,446, plus strand): 5'-ACAGGCTTTCCGTAAGGCTCTCTTTTGACCACTTCTGGTGCCATAAAATGAGGTGTTCCA[A>T]CACGTCCTACATTTAAAACAACATTAAGGAAAAATGTTTACATAAAATGGGATTTTCACT-3'
Protein context (NP_001354650.1, residues 170-190): GESGLVAGGR[Val180Asp]GTPHFMAPEV

ClinVar aggregate classification (germline): Uncertain significance (1 of 4 stars; one submission).

Conditions:
FG syndrome 4 (FGS4). Identifiers: MedGen C1845546, MONDO:0010318, OMIM 300422.

Submission:

MVZ Medizinische Genetik Mainz
Classification: Uncertain significance for FG syndrome 4. Last evaluated: 2023-02-21. Review status: criteria provided, single submitter. Criteria: UK Practice Guidelines For Variant Classification V4 01 2020. Collection method: clinical testing. Allele origin: germline. Inheritance: X-linked dominant inheritance. Affected: yes. Observed: 1 variant allele.
Comment: ACMG Criteria: PM2_SUP,PP2,PP3